The following is an entry in ClinVar:

ClinVar aggregate classification (germline): Likely benign (1 of 4 stars; one submission).

Conditions:
PKD1-related disorder. Also called: PKD1-related condition.

gnomAD v4.1: 94 of 1,611,558 alleles (0.0058%); highest among the groups gnomAD compares: Admixed American, 0.0083%; no homozygotes.

Submission:

PreventionGenetics, part of Exact Sciences
Classification: Likely benign for PKD1-related condition. Last evaluated: 2025-10-13. Review status: criteria provided, single submitter. Criteria: ACMG Guidelines, 2015. Collection method: clinical testing. Allele origin: germline.
Comment: This variant is classified as likely benign based on ACMG/AMP sequence variant interpretation guidelines (Richards et al. 2015 PMID: 25741868, with internal and published modifications).

NM_001009944.3(PKD1):c.4341G>A (p.Ala1447=)

Gene: PKD1 (polycystin 1, transient receptor potential channel interacting; minus strand). Cytogenetic location: 16p13.3.
Variant type: single nucleotide variant.
Coding change: c.4341G>A on transcript NM_001009944.3 (MANE Select); coding-DNA position 4341, G replaced by A.
Protein change: p.Ala1447=; no amino-acid change (alanine 1447 retained).
Molecular consequence: synonymous variant.
Genome position (GRCh38, 1-based): chr16:2,110,826, C>T on the plus strand (G>A on the coding strand, the complement: PKD1 is on the minus strand). VCF-style: chr16-2110826-C-T. GRCh37 (hg19) VCF-style: chr16-2160827-C-T.
Other names: c.4341G>A, p.Ala1447= (NM_000296.4).
Identifiers: ClinVar variation 4982561 (VCV004982561.1).